The following is an entry in ClinVar:

NM_147686.4(TRAF3IP2):c.410G>A (p.Arg137His)

Genes: TRAF3IP2 (TRAF3 interacting protein 2; minus strand), TRAF3IP2-AS1 (TRAF3IP2 antisense RNA 1; plus strand), LOC114803478 (TRAF3IP2 eExon liver enhancer; plus strand). Cytogenetic location: 6q21.
Variant type: single nucleotide variant.
Coding change: c.410G>A on transcript NM_147686.4 (MANE Select); coding-DNA position 410, G replaced by A.
Protein change: p.Arg137His; replaces arginine 137 with histidine.
Molecular consequence: missense variant.
Genome position (GRCh38, 1-based): chr6:111,591,677, C>T on the plus strand (G>A on the coding strand, the complement: TRAF3IP2 is on the minus strand). VCF-style: chr6-111591677-C-T. GRCh37 (hg19) VCF-style: chr6-111912880-C-T.
Other names: c.410G>A, p.Arg137His (NM_001164281.3); c.437G>A, p.Arg146His (NM_147200.3); short protein forms R137H, R146H.
Identifiers: ClinVar variation 575088 (VCV000575088.8), dbSNP rs1243216801, ClinGen allele CA365368179.

ClinVar aggregate classification (germline): Uncertain significance (1 of 4 stars; one submission).

Conditions:
Candidiasis, familial, 8 (CANDF8). Identifiers: Orphanet 1334, MedGen C3714992, MONDO:0014230, OMIM 615527.

Allele frequency attached by ClinVar (database versions not stated): gnomAD exomes below 0.00001; gnomAD 0.00001; TOPMed 0.00001.
gnomAD v4.1: 12 of 1,614,116 alleles (0.00074%); highest among the groups gnomAD compares: South Asian, 0.0044%; no homozygotes.

Submission:

Labcorp Genetics (formerly Invitae), Labcorp
Classification: Uncertain significance for Candidiasis, familial, 8. Last evaluated: 2024-02-24. Review status: criteria provided, single submitter. Criteria: Invitae Variant Classification Sherloc (09022015). Collection method: clinical testing. Allele origin: germline.
Comment: This sequence change replaces arginine, which is basic and polar, with histidine, which is basic and polar, at codon 137 of the TRAF3IP2 protein (p.Arg137His). This variant is present in population databases (no rsID available, gnomAD 0.003%). This variant has not been reported in the literature in individuals affected with TRAF3IP2-related conditions. ClinVar contains an entry for this variant (Variation ID: 575088). Advanced modeling of protein sequence and biophysical properties (such as structural, functional, and spatial information, amino acid conservation, physicochemical variation, residue mobility, and thermodynamic stability) performed at Invitae indicates that this missense variant is not expected to disrupt TRAF3IP2 protein function with a negative predictive value of 80%. In summary, the available evidence is currently insufficient to determine the role of this variant in disease. Therefore, it has been classified as a Variant of Uncertain Significance.